The following is an entry in ClinVar:

NM_001353345.2(SETD1B):c.2508A>G (p.Pro836=)

Gene: SETD1B (SET domain containing 1B, histone lysine methyltransferase; plus strand). Cytogenetic location: 12q24.31.
Variant type: single nucleotide variant.
Coding change: c.2508A>G on transcript NM_001353345.2 (MANE Select); coding-DNA position 2508, A replaced by G.
Protein change: p.Pro836=; no amino-acid change (proline 836 retained).
Molecular consequence: synonymous variant.
Genome position (GRCh38, 1-based): chr12:121,814,723, A>G. VCF-style: chr12-121814723-A-G. GRCh37 (hg19) VCF-style: chr12-122252629-A-G.
Identifiers: ClinVar variation 2643450 (VCV002643450.25), dbSNP rs577405791, ClinGen allele CA6838955.

ClinVar aggregate classification (germline): Likely benign. Review status: criteria provided, multiple submitters, no conflicts (2 of 4 stars). 2 submissions from 2 submitters: Likely benign (2). Last evaluated 2024-09-27.

Allele frequency attached by ClinVar (database versions not stated): gnomAD exomes 0.00013; gnomAD 0.00017; TOPMed 0.00017; 1000 Genomes Project 0.00020; ExAC 0.00031; 1000 Genomes Project 30x 0.00062.
gnomAD v4.1: 211 of 1,551,034 alleles (0.014%); highest among the groups gnomAD compares: Non-Finnish European, 0.015%; 1 homozygote.

Submissions (2):

Blueprint Genetics
Classification: Likely benign. Last evaluated: 2024-09-27. Review status: criteria provided, single submitter. Criteria: ACMG Guidelines, 2015. Collection method: clinical testing. Allele origin: germline.

CeGaT Center for Human Genetics Tuebingen
Classification: Likely benign. Last evaluated: 2022-11-01. Review status: criteria provided, single submitter. Criteria: CeGaT Center For Human Genetics Tuebingen Variant Classification Criteria Version 2. Collection method: clinical testing. Allele origin: germline. Affected: yes. Observed: 1 variant allele.
Comment: SETD1B: BP4, BP7